The following is an entry in ClinVar:

ClinVar aggregate classification (germline): Benign (0 of 4 stars; one submission).

Conditions:
PRRC2A-related disorder. Also called: PRRC2A-related condition.

Submission:

PreventionGenetics, part of Exact Sciences
Classification: Benign for PRRC2A-related condition. Last evaluated: 2019-05-01. Review status: no assertion criteria provided. Collection method: clinical testing. Allele origin: germline.
Comment: This variant is classified as benign based on ACMG/AMP sequence variant interpretation guidelines (Richards et al. 2015 PMID: 25741868, with internal and published modifications).

NM_004638.4(PRRC2A):c.2094G>C (p.Pro698=)

Gene: PRRC2A (proline rich coiled-coil 2A; plus strand). Cytogenetic location: 6p21.33.
Variant type: single nucleotide variant.
Coding change: c.2094G>C on transcript NM_004638.4 (MANE Select); coding-DNA position 2094, G replaced by C.
Protein change: p.Pro698=; no amino-acid change (proline 698 retained).
Molecular consequence: synonymous variant.
Genome position (GRCh38, 1-based): chr6:31,629,685, G>C. VCF-style: chr6-31629685-G-C. GRCh37 (hg19) VCF-style: chr6-31597462-G-C.
Other names: c.2094G>C, p.Pro698= (NM_080686.3).
Identifiers: ClinVar variation 3056032 (VCV003056032.2), dbSNP rs752878822, ClinGen allele CA3715563.